The following is an entry in ClinVar:

ClinVar aggregate classification (germline): Pathogenic (1 of 4 stars; one submission).

Conditions:
Hereditary spastic paraplegia 4. Also called: Spastic paraplegia 4, autosomal dominant; Familial spastic paraplegia autosomal dominant 2; Spastic Paraplegia 4. Identifiers: Orphanet 100985, MedGen C1866855, MONDO:0008438, OMIM 182601.

Submission:

Labcorp Genetics (formerly Invitae), Labcorp
Classification: Pathogenic for Hereditary spastic paraplegia 4. Last evaluated: 2023-05-03. Review status: criteria provided, single submitter. Criteria: Invitae Variant Classification Sherloc (09022015). Collection method: clinical testing. Allele origin: unknown.
Comment: This variant results in a copy number gain of the genomic region encompassing exon(s) 13-15 of the SPAST gene. While the exact position of this variant cannot be determined from the data, sub-genic copy number gains are generally in tandem (PMID: 25640679). This variant is predicted to be out-of-frame, and may result in an absent or disrupted protein product. Loss-of-function variants in SPAST are known to be pathogenic (PMID: 20932283). For these reasons, this variant has been classified as Pathogenic. A similar copy number variant has been observed in individuals with clinical features of hereditary spastic paraplegia (PMID: 25065914; Invitae).

Literature cited by the submitters: PubMed 25640679; PubMed 20932283; PubMed 25065914.

NC_000002.11:g.(?_32366953)_(32370096_?)dup

Gene: SPAST (spastin; plus strand). Cytogenetic location: 2p22.3.
Variant type: Duplication.
Identifiers: ClinVar variation 3247324 (VCV003247324.1).